The following is an entry in ClinVar:

NM_018117.12(WDR11):c.3132C>G (p.Gly1044=)

Gene: WDR11 (WD repeat domain 11; plus strand). Cytogenetic location: 10q26.12.
Variant type: single nucleotide variant.
Coding change: c.3132C>G on transcript NM_018117.12 (MANE Select); coding-DNA position 3132, C replaced by G.
Protein change: p.Gly1044=; no amino-acid change (glycine 1044 retained).
Molecular consequence: synonymous variant.
Genome position (GRCh38, 1-based): chr10:120,904,750, C>G. VCF-style: chr10-120904750-C-G. GRCh37 (hg19) VCF-style: chr10-122664262-C-G.
Identifiers: ClinVar variation 704168 (VCV000704168.5), dbSNP rs1160845619, ClinGen allele CA471648258.

ClinVar aggregate classification (germline): Likely benign. Review status: criteria provided, multiple submitters, no conflicts (2 of 4 stars). 2 submissions from 2 submitters: Likely benign (2). Last evaluated 2026-09-01.

Allele frequency attached by ClinVar (database versions not stated): gnomAD 0.00001; gnomAD exomes 0.00001 and 0.00004.
gnomAD v4.1: 18 of 1,614,002 alleles (0.0011%); highest among the groups gnomAD compares: Admixed American, 0.017%; no homozygotes.

Submissions (2):

CeGaT Center for Human Genetics Tuebingen
Classification: Likely benign. Last evaluated: 2026-09-01. Review status: criteria provided, single submitter. Criteria: CeGaT Center For Human Genetics Tuebingen Variant Classification Criteria Version 2. Collection method: clinical testing. Allele origin: germline. Affected: yes. Observed: 1 variant allele.
Comment: WDR11: BP4, BP7

Labcorp Genetics (formerly Invitae), Labcorp
Classification: Likely benign. Last evaluated: 2019-12-31. Review status: criteria provided, single submitter. Criteria: Invitae Variant Classification Sherloc (09022015). Collection method: clinical testing. Allele origin: germline.